The following is an entry in ClinVar:

ClinVar aggregate classification (germline): Uncertain significance (1 of 4 stars; one submission).

Submission:

Ambry Genetics
Classification: Uncertain significance. Last evaluated: 2025-08-20. Review status: criteria provided, single submitter. Criteria: Ambry Variant Classification Scheme 2023. Collection method: clinical testing. Allele origin: germline.
Comment: The p.A789P variant (also known as c.2365G>C), located in coding exon 10 of the WNK2 gene, results from a G to C substitution at nucleotide position 2365. The alanine at codon 789 is replaced by proline, an amino acid with highly similar properties. This amino acid position is conserved. In addition, this alteration is predicted to be tolerated by in silico analysis. Based on the available evidence, the clinical significance of this variant remains unclear.

NM_006648.4(WNK2):c.2365G>C (p.Ala789Pro)

Gene: WNK2 (WNK lysine deficient protein kinase 2; plus strand). Cytogenetic location: 9q22.31.
Variant type: single nucleotide variant.
Coding change: c.2365G>C on transcript NM_006648.4 (MANE Select); coding-DNA position 2365, G replaced by C.
Protein change: p.Ala789Pro; replaces alanine 789 with proline.
Molecular consequence: missense variant.
Genome position (GRCh38, 1-based): chr9:93,257,122, G>C. VCF-style: chr9-93257122-G-C. GRCh37 (hg19) VCF-style: chr9-96019404-G-C.
Other names: c.2365G>C, p.Ala789Pro (NM_001282394.3); short protein forms A789P.
Identifiers: ClinVar variation 4201780 (VCV004201780.1).